The following is an entry in ClinVar:

ClinVar aggregate classification (germline): Likely pathogenic (1 of 4 stars; one submission).

Allele frequency attached by ClinVar (database versions not stated): gnomAD exomes below 0.00001.

Submission:

Labcorp Genetics (formerly Invitae), Labcorp
Classification: Likely pathogenic. Last evaluated: 2023-03-25. Review status: criteria provided, single submitter. Criteria: Invitae Variant Classification Sherloc (09022015). Collection method: clinical testing. Allele origin: germline.
Comment: This sequence change affects the initiator methionine of the PTHLH mRNA. There are no downstream in-frame methionine residues; therefore, it is expected to result in an absent or disrupted protein product. Loss-of-function variants in PTHLH are known to be pathogenic (PMID: 20170896, 26640227, 26763883). This variant is not present in population databases (gnomAD no frequency). This variant has not been reported in the literature in individuals affected with PTHLH-related conditions. In summary, the currently available evidence indicates that the variant is pathogenic, but additional data are needed to prove that conclusively. Therefore, this variant has been classified as Likely Pathogenic.

Literature cited by the submitters: PubMed 20170896; PubMed 26640227; PubMed 26763883.

NM_198965.2(PTHLH):c.1A>G (p.Met1Val)

Gene: PTHLH (parathyroid hormone like hormone; minus strand). Cytogenetic location: 12p11.22.
Variant type: single nucleotide variant.
Coding change: c.1A>G on transcript NM_198965.2 (MANE Select); coding-DNA position 1, A replaced by G.
Protein change: p.Met1Val; changes the start codon (methionine 1).
Molecular consequence: missense variant, initiator codon variant.
Genome position (GRCh38, 1-based): chr12:27,969,494, T>C on the plus strand (A>G on the coding strand, the complement: PTHLH is on the minus strand). VCF-style: chr12-27969494-T-C. GRCh37 (hg19) VCF-style: chr12-28122427-T-C.
Other names: c.1A>G, p.Met1Val (NM_002820.3, NM_198964.2, NM_198966.2); short protein forms M1V.
Identifiers: ClinVar variation 2832630 (VCV002832630.3), dbSNP rs2539971709, ClinGen allele CA384339875.